The following is an entry in ClinVar:

ClinVar aggregate classification (germline): Likely benign. Review status: criteria provided, multiple submitters, no conflicts (2 of 4 stars). 2 submissions from 2 submitters: Likely benign (2). Last evaluated 2023-11-10.

Allele frequency attached by ClinVar (database versions not stated): gnomAD 0.00001; gnomAD exomes 0.00001; TOPMed 0.00001.
gnomAD v4.1: 10 of 1,475,764 alleles (0.00068%); highest among the groups gnomAD compares: Non-Finnish European, 0.00081%; no homozygotes.

Submissions (2):

Labcorp Genetics (formerly Invitae), Labcorp
Classification: Likely benign. Last evaluated: 2023-11-10. Review status: criteria provided, single submitter. Criteria: Invitae Variant Classification Sherloc (09022015). Collection method: clinical testing. Allele origin: germline.

Laboratory for Molecular Medicine, Mass General Brigham Personalized Medicine
Classification: Likely benign. Last evaluated: 2017-10-05. Review status: criteria provided, single submitter. Criteria: LMM Criteria. Collection method: clinical testing. Allele origin: germline. Observed: 1 variant allele.
Comment: p.Lys4674Lys in exon 69 of GPR98: This variant is not expected to have clinical significance because it does not alter an amino acid residue and is not located within the splice consensus sequence. ACMG/AMP Criteria applied: BP7 (Richards 2 015).

NM_032119.4(ADGRV1):c.14022G>A (p.Lys4674=)

Gene: ADGRV1 (adhesion G protein-coupled receptor V1; plus strand). Cytogenetic location: 5q14.3.
Variant type: single nucleotide variant.
Coding change: c.14022G>A on transcript NM_032119.4 (MANE Select); coding-DNA position 14022, G replaced by A.
Protein change: p.Lys4674=; no amino-acid change (lysine 4674 retained).
Molecular consequence: synonymous variant. On other transcripts: non-coding transcript variant (1).
Genome position (GRCh38, 1-based): chr5:90,789,830, G>A. VCF-style: chr5-90789830-G-A. GRCh37 (hg19) VCF-style: chr5-90085647-G-A.
Identifiers: ClinVar variation 506177 (VCV000506177.7), dbSNP rs1554117199, ClinGen allele CA445415939.
Genomic context (GRCh38, chr5:90,789,830, plus strand): 5'-TTCAGAGCCTCTGGCTCTGGAAGGGCCCCTGCTCATTACCTTCTTTGTCAGAAGAGTCAA[G>A]GGCACCTTTGGAGAGATTATGGTATTACTTTTCATTTGATTTTTCAAAGTACCAGTTTGC-3'
Protein context (NP_115495.3, residues 4664-4684): LLITFFVRRV[Lys4674=]GTFGEIMVYW